The following is an entry in ClinVar:

ClinVar aggregate classification (germline): Uncertain significance (1 of 4 stars; one submission).

Conditions:
Mitochondrial DNA depletion syndrome 13. Also called: FBXL4-Related Encephalomyopathic Mitochondrial DNA Depletion Syndrome; Mitochondrial DNA depletion syndrome 13 (encephalomyopathic type). Identifiers: Orphanet 369897, MedGen C3809592, MONDO:0014198, OMIM 615471.

Allele frequency attached by ClinVar (database versions not stated): ExAC 0.00002; gnomAD exomes 0.00002 and 0.00003.
gnomAD v4.1: 16 of 1,614,190 alleles (0.00099%); highest among the groups gnomAD compares: South Asian, 0.016%; 1 homozygote.

Submission:

Wong Mito Lab, Molecular and Human Genetics, Baylor College of Medicine
Classification: Uncertain significance for Mitochondrial DNA depletion syndrome 13. Last evaluated: 2017-08-10. Review status: criteria provided, single submitter. Criteria: ACMG Guidelines, 2015. Collection method: reference population. Allele origin: germline.
Comment: The NM_012160.4:c.70A>G (NP_036292.2:p.Arg24Gly) [GRCH38: NC_000006.12:g.98926919T>C] variant in FBXL4 gene is interpretated to be a Uncertain Significance - Conflicting Evidence based on ACMG guidelines (PMID: 25741868). This variant meets one or more of the following evidence codes reported in the ACMG-guideline. PM2:This variant is absent in key population databases. BP4:Computational evidence/predictors indicate no impact on the FBXL4 structure, function, or protein-protein interaction. Based on this evidence code ClinGen Pathogenicity Calculator (PMID:28081714) suggested that the variant is Uncertain Significance - Conflicting Evidence.

NM_001278716.2(FBXL4):c.70A>G (p.Arg24Gly)

Gene: FBXL4 (F-box and leucine rich repeat protein 4; minus strand). Cytogenetic location: 6q16.2.
Variant type: single nucleotide variant.
Coding change: c.70A>G on transcript NM_001278716.2 (MANE Select); coding-DNA position 70, A replaced by G.
Protein change: p.Arg24Gly; replaces arginine 24 with glycine.
Molecular consequence: missense variant. On other transcripts: non-coding transcript variant (2).
Genome position (GRCh38, 1-based): chr6:98,926,919, T>C on the plus strand (A>G on the coding strand, the complement: FBXL4 is on the minus strand). VCF-style: chr6-98926919-T-C. GRCh37 (hg19) VCF-style: chr6-99374795-T-C.
Other names: c.70A>G, p.Arg24Gly (NM_012160.5); short protein forms R24G.
Identifiers: ClinVar variation 437529 (VCV000437529.1), dbSNP rs759636678, ClinGen allele CA3933745.